The following is an entry in ClinVar:

ClinVar aggregate classification (germline): Likely pathogenic (1 of 4 stars; one submission).

Conditions:
Pyruvate dehydrogenase E3 deficiency (DLDD). Also called: Dihydrolipoamide Dehydrogenase (E3) Deficiency; MAPLE SYRUP URINE DISEASE, TYPE III; DLD DEFICIENCY; E3 DEFICIENCY; Dihydrolipoamide Dehydrogenase Deficiency; Lipoamide dehydrogenase deficiency, lactic acidosis due to. Identifiers: Orphanet 2394, Orphanet 765, MedGen C5574660, MONDO:0009529, OMIM 246900.

Submission:

Labcorp Genetics (formerly Invitae), Labcorp
Classification: Likely pathogenic for Pyruvate dehydrogenase E3 deficiency. Last evaluated: 2021-10-12. Review status: criteria provided, single submitter. Criteria: Invitae Variant Classification Sherloc (09022015). Collection method: clinical testing. Allele origin: germline.
Comment: In summary, the currently available evidence indicates that the variant is pathogenic, but additional data are needed to prove that conclusively. Therefore, this variant has been classified as Likely Pathogenic. Algorithms developed to predict the effect of sequence changes on RNA splicing suggest that this variant may disrupt the consensus splice site. This variant has not been reported in the literature in individuals affected with DLD-related conditions. This variant is not present in population databases (ExAC no frequency). This sequence change affects an acceptor splice site in intron 2 of the DLD gene. It is expected to disrupt RNA splicing. Variants that disrupt the donor or acceptor splice site typically lead to a loss of protein function (PMID: 16199547), and loss-of-function variants in DLD are known to be pathogenic (PMID: 8968745, 9934985).

Literature cited by the submitters: PubMed 16199547; PubMed 8968745; PubMed 9934985.

NM_000108.5(DLD):c.119-1G>A

Gene: DLD (dihydrolipoamide dehydrogenase; plus strand). Cytogenetic location: 7q31.1.
Variant type: single nucleotide variant.
Coding change: c.119-1G>A on transcript NM_000108.5 (MANE Select); the canonical splice acceptor site of the intron before coding-DNA position 119, G replaced by A.
Molecular consequence: splice acceptor variant. On other transcripts: intron variant (1).
Genome position (GRCh38, 1-based): chr7:107,901,737, G>A. VCF-style: chr7-107901737-G-A. GRCh37 (hg19) VCF-style: chr7-107542182-G-A.
Other names: c.119-1G>A (NM_001289752.1, NM_001289751.1); c.-30-1741G>A (NM_001289750.1).
Identifiers: ClinVar variation 1480174 (VCV001480174.6), dbSNP rs2116206966, ClinGen allele CA368854657.